The following is an entry in ClinVar:

NM_032199.3(ARID5B):c.22-6dup

Gene: ARID5B (AT-rich interaction domain 5B; plus strand). Cytogenetic location: 10q21.2.
Variant type: Duplication.
Coding change: c.22-6dup on transcript NM_032199.3 (MANE Select); 6 bases into the intron before coding-DNA position 22, one base duplicated (C; older notation c.22-6dupC).
Molecular consequence: intron variant.
Genome position (GRCh38, 1-based): chr10:61,902,153, C duplicated; the last of 7 consecutive C bases (chr10:61,902,147-61,902,153); duplicating any one gives the same sequence. VCF-style (leftmost placement, unchanged base first): chr10-61902146-T-TC. GRCh37 (hg19) VCF-style: chr10-63661905-T-TC.
Identifiers: ClinVar variation 3042690 (VCV003042690.2), dbSNP rs761751447, ClinGen allele CA5515000.

ClinVar aggregate classification (germline): Likely benign (0 of 4 stars; one submission).

Conditions:
ARID5B-related disorder. Also called: ARID5B-related condition.

Submission:

PreventionGenetics, part of Exact Sciences
Classification: Likely benign for ARID5B-related condition. Last evaluated: 2019-06-24. Review status: no assertion criteria provided. Collection method: clinical testing. Allele origin: germline.
Comment: This variant is classified as likely benign based on ACMG/AMP sequence variant interpretation guidelines (Richards et al. 2015 PMID: 25741868, with internal and published modifications).